The following is an entry in ClinVar:

ClinVar aggregate classification (germline): Uncertain significance (1 of 4 stars; one submission).

Conditions:
Mucopolysaccharidosis, MPS-III-A (MPS3A). Also called: HEPARAN SULFATE SULFATASE DEFICIENCY; SANFILIPPO SYNDROME A; SULFAMIDASE DEFICIENCY; MPS III A; Mucopolysaccharidosis type IIIA (Sanfilippo A); Mucopolysaccharidosis, type IIIA. Identifiers: Orphanet 581, Orphanet 79269, MedGen C0086647, MONDO:0009655, OMIM 252900.

Submission:

Labcorp Genetics (formerly Invitae), Labcorp
Classification: Uncertain significance for Mucopolysaccharidosis, MPS-III-A. Last evaluated: 2024-05-06. Review status: criteria provided, single submitter. Criteria: Invitae Variant Classification Sherloc (09022015). Collection method: clinical testing. Allele origin: germline.
Comment: This sequence change replaces threonine, which is neutral and polar, with isoleucine, which is neutral and non-polar, at codon 47 of the SGSH protein (p.Thr47Ile). This variant is not present in population databases (gnomAD no frequency). This variant has not been reported in the literature in individuals affected with SGSH-related conditions. ClinVar contains an entry for this variant (Variation ID: 2006770). Advanced modeling of protein sequence and biophysical properties (such as structural, functional, and spatial information, amino acid conservation, physicochemical variation, residue mobility, and thermodynamic stability) performed at Invitae indicates that this missense variant is expected to disrupt SGSH protein function with a positive predictive value of 95%. In summary, the available evidence is currently insufficient to determine the role of this variant in disease. Therefore, it has been classified as a Variant of Uncertain Significance.

NM_000199.5(SGSH):c.140C>T (p.Thr47Ile)

Gene: SGSH (N-sulfoglucosamine sulfohydrolase; minus strand). Cytogenetic location: 17q25.3.
Variant type: single nucleotide variant.
Coding change: c.140C>T on transcript NM_000199.5 (MANE Select); coding-DNA position 140, C replaced by T.
Protein change: p.Thr47Ile; replaces threonine 47 with isoleucine.
Molecular consequence: missense variant. On other transcripts: non-coding transcript variant (1).
Genome position (GRCh38, 1-based): chr17:80,217,141, G>A on the plus strand (C>T on the coding strand, the complement: SGSH is on the minus strand). VCF-style: chr17-80217141-G-A. GRCh37 (hg19) VCF-style: chr17-78190940-G-A.
Other names: c.140C>T, p.Thr47Ile (NM_001352921.3, NM_001352922.2); short protein forms T47I.
Identifiers: ClinVar variation 2006770 (VCV002006770.4), dbSNP rs2510910123, ClinGen allele CA401364519.